The following is an entry in ClinVar:

ClinVar aggregate classification (germline): Uncertain significance (1 of 4 stars; one submission).

Conditions:
Charcot-Marie-Tooth Neuropathy X. Identifiers: MedGen CN118851.
Combined oxidative phosphorylation deficiency. Identifiers: MedGen C4540031, MONDO:0000732.

Allele frequency attached by ClinVar (database versions not stated): gnomAD exomes below 0.00001.
gnomAD v4.1: 2 of 1,209,451 alleles (0.00017%); highest among the groups gnomAD compares: Non-Finnish European, 0.00011%; no homozygotes.

Submission:

Labcorp Genetics (formerly Invitae), Labcorp
Classification: Uncertain significance for Charcot-Marie-Tooth Neuropathy X; Combined oxidative phosphorylation deficiency. Last evaluated: 2020-02-05. Review status: criteria provided, single submitter. Criteria: Invitae Variant Classification Sherloc (09022015). Collection method: clinical testing. Allele origin: germline.
Comment: This sequence change replaces tyrosine with cysteine at codon 95 of the AIFM1 protein (p.Tyr95Cys). The tyrosine residue is moderately conserved and there is a large physicochemical difference between tyrosine and cysteine. In summary, the available evidence is currently insufficient to determine the role of this variant in disease. Therefore, it has been classified as a Variant of Uncertain Significance. Algorithms developed to predict the effect of missense changes on protein structure and function are either unavailable or do not agree on the potential impact of this missense change (SIFT: "Tolerated"; PolyPhen-2: "Possibly Damaging"; Align-GVGD: "Class C15"). This variant has not been reported in the literature in individuals with AIFM1-related conditions. This variant is not present in population databases (ExAC no frequency).

NM_004208.4(AIFM1):c.284A>G (p.Tyr95Cys)

Genes: AIFM1 (apoptosis inducing factor mitochondria associated 1; minus strand), RAB33A (RAB33A, member RAS oncogene family; plus strand). Cytogenetic location: Xq26.1.
Variant type: single nucleotide variant.
Coding change: c.284A>G on transcript NM_004208.4 (MANE Select); coding-DNA position 284, A replaced by G.
Protein change: p.Tyr95Cys; replaces tyrosine 95 with cysteine.
Molecular consequence: missense variant. On other transcripts: non-coding transcript variant (1).
Genome position (GRCh38, 1-based): chrX:130,149,534, T>C on the plus strand (A>G on the coding strand, the complement: AIFM1 is on the minus strand). VCF-style: chrX-130149534-T-C. GRCh37 (hg19) VCF-style: chrX-129283509-T-C.
Other names: c.284A>G, p.Tyr95Cys (NM_001130847.4); c.272A>G, p.Tyr91Cys (NM_145812.3); short protein forms Y91C, Y95C.
Identifiers: ClinVar variation 1001350 (VCV001001350.9), dbSNP rs2030882411, ClinGen allele CA414591074.